The following is an entry in ClinVar:

ClinVar aggregate classification (germline): Uncertain significance. Review status: criteria provided, multiple submitters, no conflicts (2 of 4 stars). 2 submissions from 2 submitters: Uncertain significance (2). Last evaluated 2022-08-09.

Conditions:
Inborn genetic diseases. Identifiers: MedGen C0950123, MeSH D030342.

Submissions (2):

Labcorp Genetics (formerly Invitae), Labcorp
Classification: Uncertain significance. Last evaluated: 2022-08-09. Review status: criteria provided, single submitter. Criteria: Invitae Variant Classification Sherloc (09022015). Collection method: clinical testing. Allele origin: germline.
Comment: This sequence change replaces valine, which is neutral and non-polar, with leucine, which is neutral and non-polar, at codon 100 of the RXYLT1 protein (p.Val100Leu). This variant is present in population databases (rs759946097, gnomAD 0.03%). This variant has not been reported in the literature in individuals affected with RXYLT1-related conditions. Algorithms developed to predict the effect of missense changes on protein structure and function are either unavailable or do not agree on the potential impact of this missense change (SIFT: "Deleterious"; PolyPhen-2: "Benign"; Align-GVGD: "Class C0"). In summary, the available evidence is currently insufficient to determine the role of this variant in disease. Therefore, it has been classified as a Variant of Uncertain Significance.

Ambry Genetics
Classification: Uncertain significance for Inborn genetic diseases. Last evaluated: 2021-10-27. Review status: criteria provided, single submitter. Criteria: Ambry Variant Classification Scheme 2023. Collection method: clinical testing. Allele origin: germline.

NM_014254.3(RXYLT1):c.298G>C (p.Val100Leu)

Gene: RXYLT1 (ribitol xylosyltransferase 1; plus strand). Cytogenetic location: 12q14.2.
Variant type: single nucleotide variant.
Coding change: c.298G>C on transcript NM_014254.3 (MANE Select); coding-DNA position 298, G replaced by C.
Protein change: p.Val100Leu; replaces valine 100 with leucine.
Molecular consequence: missense variant. On other transcripts: 5 prime UTR variant (1).
Genome position (GRCh38, 1-based): chr12:63,781,147, G>C. VCF-style: chr12-63781147-G-C. GRCh37 (hg19) VCF-style: chr12-64174927-G-C.
Other names: c.-483G>C (NM_001278237.2); c.298G>C (NM_014254.1); short protein forms V100L.
Identifiers: ClinVar variation 2164134 (VCV002164134.2), dbSNP rs759946097, ClinGen allele CA6666040.